The following is an entry in ClinVar:

ClinVar aggregate classification (germline): Uncertain significance (1 of 4 stars; one submission).

Submission:

Labcorp Genetics (formerly Invitae), Labcorp
Classification: Uncertain significance. Last evaluated: 2026-01-18. Review status: criteria provided, single submitter. Criteria: Invitae Variant Classification Sherloc (09022015). Collection method: clinical testing. Allele origin: germline.
Comment: This sequence change replaces glycine, which is neutral and non-polar, with arginine, which is basic and polar, at codon 479 of the SRP54 protein (p.Gly479Arg). This variant is present in population databases (no rsID available, gnomAD 0.0009%). This variant has not been reported in the literature in individuals affected with SRP54-related conditions. An algorithm developed to predict the effect of missense changes on protein structure and function (PolyPhen-2) suggests that this variant is likely to be disruptive. In summary, the available evidence is currently insufficient to determine the role of this variant in disease. Therefore, it has been classified as a Variant of Uncertain Significance.

NM_003136.4(SRP54):c.1435G>A (p.Gly479Arg)

Gene: SRP54 (signal recognition particle 54; plus strand). Cytogenetic location: 14q13.2.
Variant type: single nucleotide variant.
Coding change: c.1435G>A on transcript NM_003136.4 (MANE Select); coding-DNA position 1435, G replaced by A.
Protein change: p.Gly479Arg; replaces glycine 479 with arginine.
Molecular consequence: missense variant.
Genome position (GRCh38, 1-based): chr14:35,029,072, G>A. VCF-style: chr14-35029072-G-A. GRCh37 (hg19) VCF-style: chr14-35498278-G-A.
Other names: c.1288G>A, p.Gly430Arg (NM_001146282.2); c.1264G>A, p.Gly422Arg (NM_001411017.1); c.1435G>A, p.Gly479Arg (NM_001440813.1); short protein forms G422R, G430R, G479R.
Identifiers: ClinVar variation 4732810 (VCV004732810.1).